The following is an entry in ClinVar:

NM_000218.3(KCNQ1):c.448G>A (p.Ala150Thr)

Gene: KCNQ1 (potassium voltage-gated channel subfamily Q member 1; plus strand). Cytogenetic location: 11p15.5.
Variant type: single nucleotide variant.
Coding change: c.448G>A on transcript NM_000218.3 (MANE Select); coding-DNA position 448, G replaced by A.
Protein change: p.Ala150Thr; replaces alanine 150 with threonine.
Molecular consequence: missense variant.
Genome position (GRCh38, 1-based): chr11:2,527,989, G>A. VCF-style: chr11-2527989-G-A. GRCh37 (hg19) VCF-style: chr11-2549219-G-A.
Other names: c.448G>A, p.Ala150Thr (NM_001406836.1, NM_001406838.1); c.178G>A, p.Ala60Thr (NM_001406837.1); c.67G>A, p.Ala23Thr (NM_181798.2); short protein forms A150T, A23T, A60T.
Identifiers: ClinVar variation 200909 (VCV000200909.16), dbSNP rs794728577, ClinGen allele CA007116.

ClinVar aggregate classification (germline): Conflicting classifications of pathogenicity. Review status: criteria provided, conflicting classifications (1 of 4 stars). 5 submissions from 5 submitters: Likely pathogenic (1); Uncertain significance (4). Last evaluated 2025-06-20.

Conditions:
Cardiovascular phenotype. Identifiers: MedGen CN230736.
Cardiac arrhythmia. Also called: Arrhythmia; Cardiac rhythm disease. Identifiers: MedGen C0003811, MONDO:0007263, HP:0011675.
KCNQ1-related disorder. Also called: KCNQ1-related disorders; KCNQ1-related condition. Identifiers: MedGen CN239322.
Long QT syndrome (LQTS). Identifiers: MedGen C0023976, MeSH D008133, MONDO:0002442. Disease mechanism: loss of function. Inheritance: Various modes of inheritance.

Allele frequency attached by ClinVar (database versions not stated): gnomAD 0.00002; TOPMed 0.00004.
gnomAD v4.1: 22 of 1,613,840 alleles (0.0014%); highest among the groups gnomAD compares: Middle Eastern, 0.016%; no homozygotes.

Submissions (5):

Ambry Genetics
Classification: Uncertain significance for Cardiovascular phenotype. Last evaluated: 2025-06-20. Review status: criteria provided, single submitter. Criteria: Ambry Variant Classification Scheme 2023. Collection method: clinical testing. Allele origin: germline.
Comment: The p.A150T variant (also known as c.448G>A), located in coding exon 2 of the KCNQ1 gene, results from a G to A substitution at nucleotide position 448. The alanine at codon 150 is replaced by threonine, an amino acid with similar properties. This variant was reported in individual(s) with features consistent with long QT syndrome (Hammami Bomholtz S et al. Pacing Clin Electrophysiol, 2020 Feb;43:210-216; Sveinbjornsson G et al. J Am Heart Assoc, 2023 Jul;12:e029845). In an assay testing KCNQ1 function, this variant showed a functionally abnormal result (Vanoye CG et al. Circ Genom Precis Med, 2018 Nov;11:e002345; Huang H et al. Sci Adv, 2018 Mar;4:eaar2631). This amino acid position is not well conserved in available vertebrate species. In addition, the in silico prediction for this alteration is inconclusive. Based on the available evidence, the clinical significance of this variant remains unclear.

Labcorp Genetics (formerly Invitae), Labcorp
Classification: Uncertain significance for Long QT syndrome. Last evaluated: 2024-11-07. Review status: criteria provided, single submitter. Criteria: Invitae Variant Classification Sherloc (09022015). Collection method: clinical testing. Allele origin: germline.
Comment: This sequence change replaces alanine, which is neutral and non-polar, with threonine, which is neutral and polar, at codon 150 of the KCNQ1 protein (p.Ala150Thr). This variant is not present in population databases (gnomAD no frequency). This missense change has been observed in individual(s) with clinical features of long QT syndrome (PMID: 31899541). ClinVar contains an entry for this variant (Variation ID: 200909). Invitae Evidence Modeling of protein sequence and biophysical properties (such as structural, functional, and spatial information, amino acid conservation, physicochemical variation, residue mobility, and thermodynamic stability) indicates that this missense variant is not expected to disrupt KCNQ1 protein function with a negative predictive value of 95%. Experimental studies have shown that this missense change affects KCNQ1 function (PMID: 29532034, 30571187, 31899541). In summary, the available evidence is currently insufficient to determine the role of this variant in disease. Therefore, it has been classified as a Variant of Uncertain Significance.

All of Us Research Program, National Institutes of Health
Classification: Uncertain significance for Long QT syndrome. Last evaluated: 2023-06-08. Review status: criteria provided, single submitter. Criteria: ACMG Guidelines, 2015. Collection method: clinical testing. Allele origin: germline. Inheritance: Autosomal dominant inheritance. Observed: 2 variant alleles, 2 heterozygotes.
Comment: This missense variant replaces alanine with threonine at codon 150 of the KCNQ1 protein. Computational prediction suggests that this variant may not impact protein structure and function (internally defined REVEL score threshold <= 0.5, PMID: 27666373). Functional studies have shown that this variant causes a reduction of potassium channel current in transfected cells (PMID: 29532034, 3189954). This variant has been reported in an individual affected with long QT syndrome (PMID: 31899541). This variant has not been identified in the general population by the Genome Aggregation Database (gnomAD). The available evidence is insufficient to determine the role of this variant in disease conclusively. Therefore, this variant is classified as a Variant of Uncertain Significance.

This study involves interpretation of variants in research participants for the purpose of population health screening. Participant phenotype was not available at the time of variant classification. Additional details can be found in publication PMID: 35346344, PMCID: PMC8962531

Color Diagnostics, LLC DBA Color Health
Classification: Uncertain significance for Cardiac arrhythmia. Last evaluated: 2023-03-01. Review status: criteria provided, single submitter. Criteria: ACMG Guidelines, 2015. Collection method: clinical testing. Allele origin: germline.
Comment: This missense variant replaces alanine with threonine at codon 150 of the KCNQ1 protein. Computational prediction suggests that this variant may not impact protein structure and function (internally defined REVEL score threshold <= 0.5, PMID: 27666373). Functional studies have shown that this variant causes a reduction of potassium channel current in transfected cells (PMID: 29532034, 3189954). This variant has been reported in an individual affected with long QT syndrome (PMID: 31899541). This variant has not been identified in the general population by the Genome Aggregation Database (gnomAD). The available evidence is insufficient to determine the role of this variant in disease conclusively. Therefore, this variant is classified as a Variant of Uncertain Significance.

Blueprint Genetics
Classification: Likely pathogenic for KCNQ1-related disorders. Last evaluated: 2022-02-10. Review status: criteria provided, single submitter. Criteria: ACMG Guidelines, 2015. Collection method: clinical testing. Allele origin: germline. Affected: yes. Observed: 4 variant alleles.

Literature cited by the submitters: PubMed 29532034 (cited by 4 submitters); PubMed 30571187 (cited by Ambry Genetics and Labcorp Genetics (formerly Invitae), Labcorp); PubMed 31899541 (cited by 4 submitters); PubMed 37449562 (cited by Ambry Genetics); PubMed 3189954 (cited by All of Us Research Program, National Institutes of Health and Color Diagnostics, LLC DBA Color Health).